The following is an entry in ClinVar:

ClinVar aggregate classification (germline): Uncertain significance (1 of 4 stars; one submission).

Allele frequency attached by ClinVar (database versions not stated): gnomAD exomes below 0.00001.

Submission:

GeneDx
Classification: Uncertain significance. Last evaluated: 2023-05-10. Review status: criteria provided, single submitter. Criteria: GeneDx Variant Classification Process June 2021. Collection method: clinical testing. Allele origin: germline. Affected: yes.
Comment: Not observed at significant frequency in large population cohorts (gnomAD); In silico analysis supports that this missense variant has a deleterious effect on protein structure/function; Has not been previously published as pathogenic or benign to our knowledge

NM_017755.6(NSUN2):c.1826A>G (p.Tyr609Cys)

Gene: NSUN2 (NOP2/Sun RNA methyltransferase 2; minus strand). Cytogenetic location: 5p15.31.
Variant type: single nucleotide variant.
Coding change: c.1826A>G on transcript NM_017755.6 (MANE Select); coding-DNA position 1826, A replaced by G.
Protein change: p.Tyr609Cys; replaces tyrosine 609 with cysteine.
Molecular consequence: missense variant. On other transcripts: non-coding transcript variant (1).
Genome position (GRCh38, 1-based): chr5:6,604,269, T>C on the plus strand (A>G on the coding strand, the complement: NSUN2 is on the minus strand). VCF-style: chr5-6604269-T-C. GRCh37 (hg19) VCF-style: chr5-6604382-T-C.
Other names: c.1721A>G, p.Tyr574Cys (NM_001193455.2); short protein forms Y574C, Y609C.
Identifiers: ClinVar variation 2662244 (VCV002662244.1), dbSNP rs1300485609, ClinGen allele CA359114775.